The following is an entry in ClinVar:

NM_015425.6(POLR1A):c.2524G>T (p.Val842Phe)

Gene: POLR1A (RNA polymerase I subunit A; minus strand). Cytogenetic location: 2p11.2.
Variant type: single nucleotide variant.
Coding change: c.2524G>T on transcript NM_015425.6 (MANE Select); coding-DNA position 2524, G replaced by T.
Protein change: p.Val842Phe; replaces valine 842 with phenylalanine.
Molecular consequence: missense variant.
Genome position (GRCh38, 1-based): chr2:86,048,994, C>A on the plus strand (G>T on the coding strand, the complement: POLR1A is on the minus strand). VCF-style: chr2-86048994-C-A. GRCh37 (hg19) VCF-style: chr2-86276117-C-A.
Other names: c.2524G>T (NM_015425.3); short protein forms V842F.
Identifiers: ClinVar variation 2918418 (VCV002918418.2), dbSNP rs755134579, ClinGen allele CA1746017.

ClinVar aggregate classification (germline): Uncertain significance. Review status: criteria provided, multiple submitters, no conflicts (2 of 4 stars). 2 submissions from 2 submitters: Uncertain significance (2). Last evaluated 2025-08-11.

Conditions:
Inborn genetic diseases. Identifiers: MedGen C0950123, MeSH D030342.

Allele frequency attached by ClinVar (database versions not stated): ExAC 0.00001; TOPMed 0.00002; gnomAD 0.00003; gnomAD exomes 0.00006.
gnomAD v4.1: 93 of 1,614,090 alleles (0.0058%); highest among the groups gnomAD compares: Non-Finnish European, 0.0078%; no homozygotes.

Submissions (2):

Ambry Genetics
Classification: Uncertain significance for Inborn genetic diseases. Last evaluated: 2025-08-11. Review status: criteria provided, single submitter. Criteria: Ambry Variant Classification Scheme 2023. Collection method: clinical testing. Allele origin: germline.

Labcorp Genetics (formerly Invitae), Labcorp
Classification: Uncertain significance. Last evaluated: 2023-07-19. Review status: criteria provided, single submitter. Criteria: Invitae Variant Classification Sherloc (09022015). Collection method: clinical testing. Allele origin: germline.
Comment: In summary, the available evidence is currently insufficient to determine the role of this variant in disease. Therefore, it has been classified as a Variant of Uncertain Significance. Advanced modeling of protein sequence and biophysical properties (such as structural, functional, and spatial information, amino acid conservation, physicochemical variation, residue mobility, and thermodynamic stability) performed at Invitae indicates that this missense variant is not expected to disrupt POLR1A protein function. This variant has not been reported in the literature in individuals affected with POLR1A-related conditions. This variant is present in population databases (rs755134579, gnomAD 0.003%). This sequence change replaces valine, which is neutral and non-polar, with phenylalanine, which is neutral and non-polar, at codon 842 of the POLR1A protein (p.Val842Phe).